The following is an entry in ClinVar:

ClinVar aggregate classification (germline): Likely benign. Review status: criteria provided, single submitter (1 of 4 stars). 2 submissions from 2 submitters: Likely benign (1). 1 of the submissions does not count toward it. Last evaluated 2026-01-09.

Conditions:
NEU1-related disorder. Also called: NEU1-related condition.

Allele frequency attached by ClinVar (database versions not stated): TOPMed 0.00002; gnomAD 0.00015; 1000 Genomes Project 0.00140; 1000 Genomes Project 30x 0.00141.
gnomAD v4.1: 279 of 1,613,098 alleles (0.017%); highest among the groups gnomAD compares: South Asian, 0.28%; 2 homozygotes.

Submissions (3):

Labcorp Genetics (formerly Invitae), Labcorp
Classification: Likely benign. Last evaluated: 2026-01-09. Review status: criteria provided, single submitter. Criteria: Invitae Variant Classification Sherloc (09022015). Collection method: clinical testing. Allele origin: germline.

PreventionGenetics, part of Exact Sciences
Classification: Likely benign for NEU1-related condition. Last evaluated: 2022-10-24. Review status: no assertion criteria provided. Collection method: clinical testing. Allele origin: germline. Not counted in ClinVar's aggregate classification.
Comment: This variant is classified as likely benign based on ACMG/AMP sequence variant interpretation guidelines (Richards et al. 2015 PMID: 25741868, with internal and published modifications).

Dr. Peter K. Rogan Lab, Western University
No classification provided (evidence only). Condition: Clear cell carcinoma of kidney. Review status: no classification provided. Collection method: in vitro. Allele origin: not applicable. Functional consequence: retained intron. Not counted in ClinVar's aggregate classification.

NM_000434.4(NEU1):c.904C>G (p.Leu302Val)

Gene: NEU1 (neuraminidase 1; minus strand). Cytogenetic location: 6p21.33.
Variant type: single nucleotide variant.
Coding change: c.904C>G on transcript NM_000434.4 (MANE Select); coding-DNA position 904, C replaced by G.
Protein change: p.Leu302Val; replaces leucine 302 with valine.
Molecular consequence: missense variant.
Genome position (GRCh38, 1-based): chr6:31,860,159, G>C on the plus strand (C>G on the coding strand, the complement: NEU1 is on the minus strand). VCF-style: chr6-31860159-G-C. GRCh37 (hg19) VCF-style: chr6-31827936-G-C.
Other names: c.904C>G (NM_000434.3); short protein forms L302V.
Identifiers: ClinVar variation 2040993 (VCV002040993.7), dbSNP rs557409640, ClinGen allele CA3724927.
Genomic context (GRCh38, chr6:31,860,159, plus strand): 5'-CTCCTGCAGCTACCACAGGGTCCACGAGCTCAGGGTCGAAGGTCACATCACGGGGCCTTA[G>C]TGTATCACAGGCATCATAGCTGCGGAGGACAATTCGGCAGTGGCAGTGGTAGTTGTTCTG-3'
Protein context (NP_000425.1, residues 292-312): VLRSYDACDT[Leu302Val]RPRDVTFDPE